The following is an entry in ClinVar:

ClinVar aggregate classification (germline): Likely benign (1 of 4 stars; one submission).

Submission:

CeGaT Center for Human Genetics Tuebingen
Classification: Likely benign. Last evaluated: 2025-01-01. Review status: criteria provided, single submitter. Criteria: CeGaT Center For Human Genetics Tuebingen Variant Classification Criteria Version 2. Collection method: clinical testing. Allele origin: germline. Affected: yes. Observed: 1 variant allele.
Comment: LRRK2: PM2:Supporting, BP4, BP7

NM_198578.4(LRRK2):c.4428G>A (p.Lys1476=)

Gene: LRRK2 (leucine rich repeat kinase 2; plus strand). Cytogenetic location: 12q12.
Variant type: single nucleotide variant.
Coding change: c.4428G>A on transcript NM_198578.4 (MANE Select); coding-DNA position 4428, G replaced by A.
Protein change: p.Lys1476=; no amino-acid change (lysine 1476 retained).
Molecular consequence: synonymous variant.
Genome position (GRCh38, 1-based): chr12:40,310,541, G>A. VCF-style: chr12-40310541-G-A. GRCh37 (hg19) VCF-style: chr12-40704343-G-A.
Identifiers: ClinVar variation 3771843 (VCV003771843.13).